The following is an entry in ClinVar:

NM_001253852.3(AP4B1):c.985A>T (p.Lys329Ter)

Genes: AP4B1 (adaptor related protein complex 4 subunit beta 1; minus strand), AP4B1-AS1 (AP4B1 antisense RNA 1; plus strand). Cytogenetic location: 1p13.2.
Variant type: single nucleotide variant.
Coding change: c.985A>T on transcript NM_001253852.3 (MANE Select); coding-DNA position 985, A replaced by T.
Protein change: p.Lys329Ter; replaces lysine 329 with a stop codon.
Molecular consequence: nonsense. On other transcripts: non-coding transcript variant (2).
Genome position (GRCh38, 1-based): chr1:113,900,033, T>A on the plus strand (A>T on the coding strand, the complement: AP4B1 is on the minus strand). VCF-style: chr1-113900033-T-A. GRCh37 (hg19) VCF-style: chr1-114442655-T-A.
Other names: c.688A>T, p.Lys230Ter (NM_001253853.3); c.481A>T, p.Lys161Ter (NM_001308312.2); c.985A>T, p.Lys329Ter (NM_006594.5); short protein forms K161*, K230*, K329*.
Identifiers: ClinVar variation 1362359 (VCV001362359.6), dbSNP rs2101024933, ClinGen allele CA341712827.

ClinVar aggregate classification (germline): Pathogenic (1 of 4 stars; one submission).

Conditions:
Hereditary spastic paraplegia 47. Also called: Spastic paraplegia 47, autosomal recessive; CEREBRAL PALSY, SPASTIC QUADRIPLEGIC, 5; adaptor protein 4 (AP-4) deficiency syndrome. Identifiers: Orphanet 280763, MedGen C3279738, MONDO:0013551, OMIM 614066.

Allele frequency attached by ClinVar (database versions not stated): gnomAD exomes below 0.00001.
gnomAD v4.1: 1 of 1,614,204 alleles (0.000062%); highest among the groups gnomAD compares: Admixed American, 0.0017%; no homozygotes.

Submission:

Labcorp Genetics (formerly Invitae), Labcorp
Classification: Pathogenic for Hereditary spastic paraplegia 47. Last evaluated: 2021-07-01. Review status: criteria provided, single submitter. Criteria: Invitae Variant Classification Sherloc (09022015). Collection method: clinical testing. Allele origin: germline.
Comment: This sequence change creates a premature translational stop signal (p.Lys329*) in the AP4B1 gene. It is expected to result in an absent or disrupted protein product. Loss-of-function variants in AP4B1 are known to be pathogenic (PMID: 22290197, 24700674, 24781758). This variant is not present in population databases (ExAC no frequency). This variant has not been reported in the literature in individuals affected with AP4B1-related conditions. For these reasons, this variant has been classified as Pathogenic.

Literature cited by the submitters: PubMed 22290197; PubMed 24700674; PubMed 24781758.